The following is an entry in ClinVar:

ClinVar aggregate classification (germline): Uncertain significance. Review status: criteria provided, single submitter (1 of 4 stars). 2 submissions from 2 submitters: Uncertain significance (1). 1 of the submissions does not count toward it. Last evaluated 2022-07-12.

Conditions:
Pterin-4 alpha-carbinolamine dehydratase 1 deficiency. Also called: Hyperphenylalaninemia due to dehydratase deficiency; HYPERPHENYLALANINEMIA WITH PRIMAPTERINURIA; HYPERPHENYLALANINEMIA, TETRAHYDROBIOPTERIN-DEFICIENT, DUE TO PTERIN-4-ALPHA-CARBINOLAMINE DEHYDRATASE DEFICIENCY; CADH DEFICIENCY. Identifiers: Orphanet 1578, Orphanet 238583, MedGen C1849700, MONDO:0009908, OMIM 264070.

Submissions (2):

Labcorp Genetics (formerly Invitae), Labcorp
Classification: Uncertain significance for Pterin-4 alpha-carbinolamine dehydratase 1 deficiency. Last evaluated: 2022-07-12. Review status: criteria provided, single submitter. Criteria: Invitae Variant Classification Sherloc (09022015). Collection method: clinical testing. Allele origin: germline.
Comment: This missense change has been observed in individual(s) with clinical features of tetrahydrobiopterin-deficient hyperphenylalaninemia (PMID: 9585615). This sequence change replaces threonine, which is neutral and polar, with isoleucine, which is neutral and non-polar, at codon 79 of the PCBD1 protein (p.Thr79Ile). This variant is not present in population databases (gnomAD no frequency). ClinVar contains an entry for this variant (Variation ID: 16797). Algorithms developed to predict the effect of missense changes on protein structure and function (SIFT, PolyPhen-2, Align-GVGD) all suggest that this variant is likely to be disruptive. Experimental studies have shown that this missense change affects PCBD1 function (PMID: 24204001). In summary, the available evidence is currently insufficient to determine the role of this variant in disease. Therefore, it has been classified as a Variant of Uncertain Significance.

OMIM
Classification: Pathogenic for HYPERPHENYLALANINEMIA, BH4-DEFICIENT, D. Last evaluated: 1998-06-01. Review status: no assertion criteria provided. Collection method: literature only. Allele origin: germline. Not counted in ClinVar's aggregate classification.

Literature cited by the submitters: PubMed 9585615 (cited by Labcorp Genetics (formerly Invitae), Labcorp and OMIM); PubMed 24204001 (cited by Labcorp Genetics (formerly Invitae), Labcorp).

NM_000281.4(PCBD1):c.236C>T (p.Thr79Ile)

Gene: PCBD1 (pterin-4 alpha-carbinolamine dehydratase 1; minus strand). Cytogenetic location: 10q22.1.
Variant type: single nucleotide variant.
Coding change: c.236C>T on transcript NM_000281.4 (MANE Select); coding-DNA position 236, C replaced by T.
Protein change: p.Thr79Ile; replaces threonine 79 with isoleucine.
Molecular consequence: missense variant. On other transcripts: intron variant (1).
Genome position (GRCh38, 1-based): chr10:70,884,029, G>A on the plus strand (C>T on the coding strand, the complement: PCBD1 is on the minus strand). VCF-style: chr10-70884029-G-A. GRCh37 (hg19) VCF-style: chr10-72643786-G-A.
Other names: c.89C>T, p.Thr30Ile (NM_001289797.2); c.216+1123C>T (NM_001323004.2); short protein forms T79I, T30I.
Identifiers: ClinVar variation 16797 (VCV000016797.8), dbSNP rs121913014, ClinGen allele CA278138.